The following is an entry in ClinVar:

ClinVar aggregate classification (germline): Uncertain significance. Review status: criteria provided, multiple submitters, no conflicts (2 of 4 stars). 2 submissions from 2 submitters: Uncertain significance (2). Last evaluated 2024-12-16.

Conditions:
Beta-D-mannosidosis (MANSB). Also called: Beta-Mannosidosis; MANNOSIDOSIS, BETA A, LYSOSOMAL; BETA-MANNOSIDASE DEFICIENCY; LYSOSOMAL BETA-MANNOSIDASE DEFICIENCY. Identifiers: Orphanet 118, MedGen C4048196, MONDO:0009562, OMIM 248510.
Inborn genetic diseases. Identifiers: MedGen C0950123, MeSH D030342.

Allele frequency attached by ClinVar (database versions not stated): ESP Exome Variant Server 0.00008; ExAC 0.00005.
gnomAD v4.1: 32 of 1,614,020 alleles (0.002%); highest among the groups gnomAD compares: African/African-American, 0.021%; no homozygotes.

Submissions (2):

Labcorp Genetics (formerly Invitae), Labcorp
Classification: Uncertain significance for Beta-D-mannosidosis. Last evaluated: 2024-12-16. Review status: criteria provided, single submitter. Criteria: Invitae Variant Classification Sherloc (09022015). Collection method: clinical testing. Allele origin: germline.
Comment: This sequence change replaces arginine, which is basic and polar, with cysteine, which is neutral and slightly polar, at codon 143 of the MANBA protein (p.Arg143Cys). This variant is present in population databases (rs145950049, gnomAD 0.01%). This variant has not been reported in the literature in individuals affected with MANBA-related conditions. ClinVar contains an entry for this variant (Variation ID: 2193519). Invitae Evidence Modeling of protein sequence and biophysical properties (such as structural, functional, and spatial information, amino acid conservation, physicochemical variation, residue mobility, and thermodynamic stability) indicates that this missense variant is not expected to disrupt MANBA protein function with a negative predictive value of 80%. In summary, the available evidence is currently insufficient to determine the role of this variant in disease. Therefore, it has been classified as a Variant of Uncertain Significance.

Ambry Genetics
Classification: Uncertain significance for Inborn genetic diseases. Last evaluated: 2021-05-24. Review status: criteria provided, single submitter. Criteria: Ambry Variant Classification Scheme 2023. Collection method: clinical testing. Allele origin: germline.

NM_005908.4(MANBA):c.427C>T (p.Arg143Cys)

Gene: MANBA (mannosidase beta; minus strand). Cytogenetic location: 4q24.
Variant type: single nucleotide variant.
Coding change: c.427C>T on transcript NM_005908.4 (MANE Select); coding-DNA position 427, C replaced by T.
Protein change: p.Arg143Cys; replaces arginine 143 with cysteine.
Molecular consequence: missense variant.
Genome position (GRCh38, 1-based): chr4:102,722,993, G>A on the plus strand (C>T on the coding strand, the complement: MANBA is on the minus strand). VCF-style: chr4-102722993-G-A. GRCh37 (hg19) VCF-style: chr4-103644150-G-A.
Other names: c.427C>T (NM_005908.3); short protein forms R143C.
Identifiers: ClinVar variation 2193519 (VCV002193519.3), dbSNP rs145950049, ClinGen allele CA3027228.